The following is an entry in ClinVar:

ClinVar aggregate classification (germline): Uncertain significance (1 of 4 stars; one submission).

Conditions:
Generalized pustular psoriasis. Identifiers: Orphanet 247353, MedGen C0343055, MONDO:0100491.

Submission:

Labcorp Genetics (formerly Invitae), Labcorp
Classification: Uncertain significance for Generalized pustular psoriasis. Last evaluated: 2019-08-13. Review status: criteria provided, single submitter. Criteria: Invitae Variant Classification Sherloc (09022015). Collection method: clinical testing. Allele origin: germline.
Comment: In summary, the available evidence is currently insufficient to determine the role of this variant in disease. Therefore, it has been classified as a Variant of Uncertain Significance. Algorithms developed to predict the effect of missense changes on protein structure and function (SIFT, PolyPhen-2, Align-GVGD) all suggest that this variant is likely to be disruptive, but these predictions have not been confirmed by published functional studies and their clinical significance is uncertain. This variant has not been reported in the literature in individuals with IL36RN-related conditions. This variant is not present in population databases (ExAC no frequency). This sequence change replaces glutamic acid with aspartic acid at codon 41 of the IL36RN protein (p.Glu41Asp). The glutamic acid residue is highly conserved and there is a small physicochemical difference between glutamic acid and aspartic acid.

NM_012275.3(IL36RN):c.123G>T (p.Glu41Asp)

Gene: IL36RN (interleukin 36 receptor antagonist; plus strand). Cytogenetic location: 2q14.1.
Variant type: single nucleotide variant.
Coding change: c.123G>T on transcript NM_012275.3 (MANE Select); coding-DNA position 123, G replaced by T.
Protein change: p.Glu41Asp; replaces glutamic acid 41 with aspartic acid.
Molecular consequence: missense variant.
Genome position (GRCh38, 1-based): chr2:113,062,131, G>T. VCF-style: chr2-113062131-G-T. GRCh37 (hg19) VCF-style: chr2-113819708-G-T.
Other names: c.123G>T, p.Glu41Asp (NM_173170.1); short protein forms E41D.
Identifiers: ClinVar variation 934738 (VCV000934738.9), dbSNP rs1685653783, ClinGen allele CA348289952.